The following is an entry in ClinVar:

NM_001267550.2(TTN):c.83739C>A (p.Cys27913Ter)

Genes: TTN (titin; minus strand), TTN-AS1 (TTN antisense RNA 1; plus strand). Cytogenetic location: 2q31.2.
Variant type: single nucleotide variant.
Coding change: c.83739C>A on transcript NM_001267550.2 (MANE Select); coding-DNA position 83739, C replaced by A.
Protein change: p.Cys27913Ter; replaces cysteine 27913 with a stop codon.
Molecular consequence: nonsense.
Genome position (GRCh38, 1-based): chr2:178,562,393, G>T on the plus strand (C>A on the coding strand, the complement: TTN is on the minus strand). VCF-style: chr2-178562393-G-T. GRCh37 (hg19) VCF-style: chr2-179427120-G-T.
Other names: c.78816C>A, p.Cys26272Ter (NM_001256850.1); c.56544C>A, p.Cys18848Ter (NM_003319.4); c.76035C>A, p.Cys25345Ter (NM_133378.4); c.56919C>A, p.Cys18973Ter (NM_133432.3); c.57120C>A, p.Cys19040Ter (NM_133437.4); short protein forms C18973*, C19040*, C26272*, C27913*, C18848*, C25345*.
Identifiers: ClinVar variation 2941705 (VCV002941705.3), dbSNP rs2469726375, ClinGen allele CA349564645.

ClinVar aggregate classification (germline): Likely pathogenic (1 of 4 stars; one submission).

Conditions:
Dilated cardiomyopathy 1G (CMD1G). Identifiers: Orphanet 154, MedGen C1858763, MONDO:0011400, OMIM 604145.
Autosomal recessive limb-girdle muscular dystrophy type 2J (LGMDR10). Also called: Limb-girdle muscular dystrophy, type 2J; MUSCULAR DYSTROPHY, LIMB-GIRDLE, AUTOSOMAL RECESSIVE 10. Identifiers: Orphanet 140922, MedGen C1837342, MONDO:0012127, OMIM 608807.

Submission:

Labcorp Genetics (formerly Invitae), Labcorp
Classification: Likely pathogenic for Dilated cardiomyopathy 1G; Autosomal recessive limb-girdle muscular dystrophy type 2J. Last evaluated: 2025-05-19. Review status: criteria provided, single submitter. Criteria: Invitae Variant Classification Sherloc (09022015). Collection method: clinical testing. Allele origin: germline.
Comment: This sequence change creates a premature translational stop signal (p.Cys27913*) in the TTN gene. While this is not anticipated to result in nonsense mediated decay, it is expected to create a truncated TTN protein. This variant is not present in population databases (gnomAD no frequency). This variant has not been reported in the literature in individuals affected with TTN-related conditions. ClinVar contains an entry for this variant (Variation ID: 2941705). This variant is located in the A band of TTN (PMID: 25589632). Truncating variants in this region are significantly overrepresented in patients affected with dilated cardiomyopathy (PMID: 25589632). Truncating variants in this region have also been reported in individuals affected with autosomal recessive centronuclear myopathy (PMID: 23975875). In summary, the currently available evidence indicates that the variant is pathogenic, but additional data are needed to prove that conclusively. Therefore, this variant has been classified as Likely Pathogenic.

Literature cited by the submitters: PubMed 25589632; PubMed 23975875.